The following is an entry in ClinVar:

NM_001009944.3(PKD1):c.1987C>T (p.Gln663Ter)

Gene: PKD1 (polycystin 1, transient receptor potential channel interacting; minus strand). Cytogenetic location: 16p13.3.
Variant type: single nucleotide variant.
Coding change: c.1987C>T on transcript NM_001009944.3 (MANE Select); coding-DNA position 1987, C replaced by T.
Protein change: p.Gln663Ter; replaces glutamine 663 with a stop codon.
Molecular consequence: nonsense.
Genome position (GRCh38, 1-based): chr16:2,115,488, G>A on the plus strand (C>T on the coding strand, the complement: PKD1 is on the minus strand). VCF-style: chr16-2115488-G-A. GRCh37 (hg19) VCF-style: chr16-2165489-G-A.
Other names: c.1987C>T, p.Gln663Ter (NM_000296.4); short protein forms Q663*.
Identifiers: ClinVar variation 1805166 (VCV001805166.4), dbSNP rs2544860881, ClinGen allele CA394389765.

ClinVar aggregate classification (germline): Pathogenic. Review status: criteria provided, multiple submitters, no conflicts (2 of 4 stars). 4 submissions from 4 submitters: Pathogenic (4). Last evaluated 2024-04-02.

Conditions:
Polycystic kidney disease, adult type (PKD1). Also called: POLYCYSTIC KIDNEY DISEASE 1 WITH OR WITHOUT POLYCYSTIC LIVER DISEASE; Polycystic Kidney Disease 1, Autosomal Dominant; Polycystic kidney disease 1; Polycystic kidney disease 1, severe; POLYCYSTIC KIDNEY DISEASE, ADULT, TYPE I; Polycystic Kidney, Autosomal Dominant. Identifiers: MedGen C3149841, MONDO:0008263, OMIM 173900.
PKD1-related disorder. Also called: PKD1-related condition.

Submissions (4):

Blueprint Genetics
Classification: Pathogenic for PKD1-related disorders. Last evaluated: 2024-04-02. Review status: criteria provided, single submitter. Criteria: ACMG Guidelines, 2015. Collection method: clinical testing. Allele origin: germline. Affected: yes. Observed: 2 variant alleles.

Fulgent Genetics
Classification: Pathogenic for Polycystic kidney disease, adult type. Last evaluated: 2024-02-27. Review status: criteria provided, single submitter. Criteria: ACMG Guidelines, 2015. Collection method: clinical testing. Allele origin: germline.

GeneDx
Classification: Pathogenic. Last evaluated: 2023-01-10. Review status: criteria provided, single submitter. Criteria: GeneDx Variant Classification Process June 2021. Collection method: clinical testing. Allele origin: germline. Affected: yes.
Comment: Nonsense variant predicted to result in protein truncation or nonsense mediated decay in a gene for which loss of function is a known mechanism of disease; Not observed at significant frequency in large population cohorts (gnomAD); This variant is associated with the following publications: (PMID: 23300259, 29529603)

Victorian Clinical Genetics Services, Murdoch Childrens Research Institute
Classification: Pathogenic for Polycystic kidney disease, adult type. Last evaluated: 2022-09-02. Review status: criteria provided, single submitter. Criteria: ACMG Guidelines, 2015. Collection method: clinical testing. Allele origin: germline. Inheritance: Autosomal dominant inheritance. Affected: yes.
Comment: Based on the classification scheme VCGS_Germline_v1.3.4, this variant is classified as Pathogenic. Following criteria are met: 0102 - Loss of function is a known mechanism of disease in this gene and is associated with polycystic kidney disease 1 (MIM#173900). (I) 0107 - This gene is associated with autosomal dominant disease. Polycystic kidney disease 1 (MIM#173900) is predominantly caused by monoallelic variants, with rare reports of biallelic variants causing disease (OMIM). (I) 0201 - Variant is predicted to cause nonsense-mediated decay (NMD) and loss of protein (premature termination codon is located at least 54 nucleotides upstream of the final exon-exon junction). (SP) 0251 - This variant is heterozygous. (I) 0301 - Variant is absent from gnomAD (both v2 and v3). (SP) 0701 - Other NMD-predicted variants comparable to the one identified in this case have very strong previous evidence for pathogenicity (ClinVar, DECIPHER). (SP) 0802 - This variant has moderate previous evidence of pathogenicity in unrelated individuals. (SP) 0905 - No published segregation evidence has been identified for this variant. (I) 1007 - No published functional evidence has been identified for this variant. (I) 1208 - Inheritance information for this variant is not currently available in this individual. (I) Legend: (SP) - Supporting pathogenic, (I) - Information, (SB) - Supporting benign

Literature cited by the submitters: PubMed 29529603 (cited by Victorian Clinical Genetics Services, Murdoch Childrens Research Institute).